The following is an entry in ClinVar:

ClinVar aggregate classification (germline): Uncertain significance (1 of 4 stars; one submission).

Conditions:
X-linked complicated corpus callosum dysgenesis. Also called: X-Linked Complicated Corpus Callosum Agenesis. Identifiers: Orphanet 1497, MedGen C1839909, MONDO:0010569, OMIM 304100.
MASA syndrome. Also called: MENTAL RETARDATION, APHASIA, SHUFFLING GAIT, AND ADDUCTED THUMBS; MASA Syndrome (Mental Retardation, Adducted Thumbs, Shuffling Gait, and Aphasia); SPASTIC PARAPLEGIA 1, X-LINKED; CRASH syndrome; MASA (Mental Retardation, Adducted Thumbs, Shuffling Gait, Aphasia) Syndrome, Including SPG1 (X-Linked Complicated Hereditary Spastic Paraplegia Type 1); ADDUCTED THUMB WITH MENTAL RETARDATION. Identifiers: Orphanet 2466, MedGen C0795953, MONDO:0010559, OMIM 303350.
X-linked hydrocephalus syndrome (HYCX). Also called: AQUEDUCTAL STENOSIS, X-LINKED; X-Linked Hydrocephalus with Stenosis of the Aqueduct of Sylvius; HYDROCEPHALUS, CONGENITAL, X-LINKED; X-Linked Hydrocephalus with Stenosis of the Aqueduct of Sylvius (HSAS); X-linked hydrocephalus. Identifiers: Orphanet 2182, MedGen C0265216, MONDO:0010611, OMIM 307000.

Submission:

Juno Genomics, Hangzhou Juno Genomics, Inc
Classification: Uncertain significance for X-linked complicated corpus callosum dysgenesis; X-linked hydrocephalus syndrome; MASA syndrome. Review status: criteria provided, single submitter. Criteria: ACMG Guidelines, 2015. Collection method: clinical testing. Allele origin: germline.
Comment: Absent from controls (or at extremely low frequency if recessive) in Genome Aggregation Database.;Multiple lines of computational evidence support a deleterious effect on the gene or gene product.

NM_001278116.2(L1CAM):c.444G>A (p.Val148=)

Gene: L1CAM (L1 cell adhesion molecule; minus strand). Cytogenetic location: Xq28.
Variant type: single nucleotide variant.
Coding change: c.444G>A on transcript NM_001278116.2 (MANE Select); coding-DNA position 444, G replaced by A.
Protein change: p.Val148=; no amino-acid change (valine 148 retained).
Molecular consequence: synonymous variant.
Genome position (GRCh38, 1-based): chrX:153,871,136, C>T on the plus strand (G>A on the coding strand, the complement: L1CAM is on the minus strand). VCF-style: chrX-153871136-C-T. GRCh37 (hg19) VCF-style: chrX-153136591-C-T.
Other names: c.444G>A, p.Val148= (NM_000425.5, NM_024003.3); c.429G>A, p.Val143= (NM_001143963.2).
Identifiers: ClinVar variation 5007523 (VCV005007523.2).
Genomic context (GRCh38, chrX:153,871,136, plus strand): 5'-CCGGAGAGGCTCTGCACTTGGGGGAGGGTTGCAAGGCAGAACCACTGACTCCCCTTCCTC[C>T]ACCTCCACGGGCTTCACTGTCTCCTTTGGCCACTTGGGGGCACCTAGAAGGGACAGACGG-3'
Protein context (NP_001265045.1, residues 138-158): WPKETVKPVE[Val148=]EEGESVVLPC